The following is an entry in ClinVar:

ClinVar aggregate classification (germline): Uncertain significance (1 of 4 stars; one submission).

Allele frequency attached by ClinVar (database versions not stated): TOPMed below 0.00001; gnomAD 0.00001.
gnomAD v4.1: 2 of 1,602,218 alleles (0.00012%); highest among the groups gnomAD compares: East Asian, 0.0045%; no homozygotes.

Submission:

Labcorp Genetics (formerly Invitae), Labcorp
Classification: Uncertain significance. Last evaluated: 2023-08-10. Review status: criteria provided, single submitter. Criteria: Invitae Variant Classification Sherloc (09022015). Collection method: clinical testing. Allele origin: germline.
Comment: In summary, the available evidence is currently insufficient to determine the role of this variant in disease. Therefore, it has been classified as a Variant of Uncertain Significance. An algorithm developed to predict the effect of missense changes on protein structure and function (PolyPhen-2) suggests that this variant is likely to be disruptive. ClinVar contains an entry for this variant (Variation ID: 937493). This variant has not been reported in the literature in individuals affected with CEP250-related conditions. This variant is not present in population databases (gnomAD no frequency). This sequence change replaces leucine, which is neutral and non-polar, with arginine, which is basic and polar, at codon 1156 of the CEP250 protein (p.Leu1156Arg).

NM_007186.6(CEP250):c.3467T>G (p.Leu1156Arg)

Gene: CEP250 (centrosomal protein 250; plus strand). Cytogenetic location: 20q11.22.
Variant type: single nucleotide variant.
Coding change: c.3467T>G on transcript NM_007186.6 (MANE Select); coding-DNA position 3467, T replaced by G.
Protein change: p.Leu1156Arg; replaces leucine 1156 with arginine.
Molecular consequence: missense variant.
Genome position (GRCh38, 1-based): chr20:35,497,879, T>G. VCF-style: chr20-35497879-T-G. GRCh37 (hg19) VCF-style: chr20-34085708-T-G.
Other names: c.1571T>G, p.Leu524Arg (NM_001318219.1); short protein forms L1156R, L524R.
Identifiers: ClinVar variation 937493 (VCV000937493.8), dbSNP rs1441178394, ClinGen allele CA408744245.